The following is an entry in ClinVar:

ClinVar aggregate classification (germline): Uncertain significance (1 of 4 stars; one submission).

Conditions:
Wilms tumor 1 (WT1). Also called: Wilms tumor, somatic. Identifiers: Orphanet 654, MedGen CN033288, MONDO:0008679, OMIM 194070.

gnomAD v4.1: 7 of 1,206,722 alleles (0.00058%); highest among the groups gnomAD compares: South Asian, 0.011%; no homozygotes.

Submission:

Labcorp Genetics (formerly Invitae), Labcorp
Classification: Uncertain significance for Wilms tumor 1. Last evaluated: 2025-02-24. Review status: criteria provided, single submitter. Criteria: Invitae Variant Classification Sherloc (09022015). Collection method: clinical testing. Allele origin: germline.
Comment: This sequence change replaces alanine, which is neutral and non-polar, with glutamic acid, which is acidic and polar, at codon 109 of the GPC3 protein (p.Ala109Glu). This variant is present in population databases (rs761660909, gnomAD 0.02%), including at least one homozygous and/or hemizygous individual. This variant has not been reported in the literature in individuals affected with GPC3-related conditions. ClinVar contains an entry for this variant (Variation ID: 578546). Invitae Evidence Modeling of protein sequence and biophysical properties (such as structural, functional, and spatial information, amino acid conservation, physicochemical variation, residue mobility, and thermodynamic stability) indicates that this missense variant is expected to disrupt GPC3 protein function with a positive predictive value of 80%. In summary, the available evidence is currently insufficient to determine the role of this variant in disease. Therefore, it has been classified as a Variant of Uncertain Significance.

NM_004484.4(GPC3):c.326C>A (p.Ala109Glu)

Gene: GPC3 (glypican 3; minus strand). Cytogenetic location: Xq26.2.
Variant type: single nucleotide variant.
Coding change: c.326C>A on transcript NM_004484.4 (MANE Select); coding-DNA position 326, C replaced by A.
Protein change: p.Ala109Glu; replaces alanine 109 with glutamic acid.
Molecular consequence: missense variant. On other transcripts: intron variant (2).
Genome position (GRCh38, 1-based): chrX:133,953,061, G>T on the plus strand (C>A on the coding strand, the complement: GPC3 is on the minus strand). VCF-style: chrX-133953061-G-T. GRCh37 (hg19) VCF-style: chrX-133087088-G-T.
Other names: c.326C>A, p.Ala109Glu (NM_001164617.2); c.175+32214C>A (NM_001164619.2); c.289+37C>A (NM_001164618.2); short protein forms A109E.
Identifiers: ClinVar variation 578546 (VCV000578546.9), dbSNP rs761660909, ClinGen allele CA10520858.
Genomic context (GRCh38, chrX:133,953,061, plus strand): 5'-AATAATGATGCCACTAAGCAGCACATCTAAAATAATCCCCAGAACTCACCTTGGAAAACC[G>T]CAGCATTCTGAATAATTAAGAACTTGAGCTCCATACTTGCAGACTGAAGCAGCTGTTCCA-3'
Protein context (NP_004475.1, residues 99-119): ELKFLIIQNA[Ala109Glu]VFQEAFEIVV